The following is an entry in ClinVar:

ClinVar aggregate classification (germline): Pathogenic. Review status: reviewed by expert panel (3 of 4 stars). 7 submissions from 7 submitters: Pathogenic (1). 6 of the submissions do not count toward it. Last evaluated 2016-10-18.

Conditions:
Hereditary cancer-predisposing syndrome. Also called: Hereditary neoplastic syndrome; Hereditary Cancer Syndrome; Neoplastic Syndromes, Hereditary; Tumor predisposition. Identifiers: Orphanet 140162, MedGen C0027672, MeSH D009386, MONDO:0015356.
Hereditary breast ovarian cancer syndrome. Also called: Hereditary breast and ovarian cancer syndrome; Breast and ovarian cancer; Hereditary breast and ovarian cancer; Hereditary breast and ovarian cancer syndrome (HBOC); BRCA1- and BRCA2-Associated Hereditary Breast and Ovarian Cancer; Hereditary breast and/or ovarian cancer syndrome. Identifiers: Orphanet 145, MedGen C0677776, MeSH D061325, MONDO:0003582. Disease mechanism: loss of function.
Breast-ovarian cancer, familial, susceptibility to, 1 (BROVCA1). Also called: OVARIAN CANCER, SUSCEPTIBILITY TO; BRCA1 Hereditary Breast and Ovarian Cancer. Identifiers: Orphanet 145, MedGen C2676676, MONDO:0011450, OMIM 604370. Disease mechanism: loss of function.

Allele frequency attached by ClinVar (database versions not stated): gnomAD exomes below 0.00001.

Submissions (7):

Evidence-based Network for the Interpretation of Germline Mutant Alleles (ENIGMA)
Classification: Pathogenic for Breast-ovarian cancer, familial, susceptibility to, 1. Last evaluated: 2016-10-18. Review status: reviewed by expert panel. Criteria: ENIGMA BRCA1/2 Classification Criteria (2015). Collection method: curation. Allele origin: germline.
Comment: Variant allele predicted to encode a truncated non-functional protein.

Labcorp Genetics (formerly Invitae), Labcorp
Classification: Pathogenic for Hereditary breast ovarian cancer syndrome. Last evaluated: 2025-11-14. Review status: criteria provided, single submitter. Criteria: Invitae Variant Classification Sherloc (09022015). Collection method: clinical testing. Allele origin: germline. Not counted in ClinVar's aggregate classification.
Comment: This sequence change creates a premature translational stop signal (p.Leu502Serfs*2) in the BRCA1 gene. It is expected to result in an absent or disrupted protein product. Loss-of-function variants in BRCA1 are known to be pathogenic (PMID: 20104584). This variant is not present in population databases (gnomAD no frequency). This premature translational stop signal has been observed in individual(s) with breast and/or ovarian cancer (PMID: 9150151, 11030417). ClinVar contains an entry for this variant (Variation ID: 231406). For these reasons, this variant has been classified as Pathogenic.

Ambry Genetics
Classification: Pathogenic for Hereditary cancer-predisposing syndrome. Last evaluated: 2025-07-11. Review status: criteria provided, single submitter. Criteria: Ambry Variant Classification Scheme 2023. Collection method: clinical testing. Allele origin: germline. Not counted in ClinVar's aggregate classification.
Comment: The c.1505_1509delTAAAG pathogenic mutation, located in coding exon 9 of the BRCA1 gene, results from a deletion of 5 nucleotides between nucleotide positions 1505 and 1509, causing a translational frameshift with a predicted alternate stop codon (p.L502Sfs*2). This pathogenic mutation has been reported in a Jewish cohort (Finkelman BS et al. J Clin Oncol. 2012 Apr 20;30(12):1321-8). This variant is considered to be rare based on population cohorts in the Genome Aggregation Database (gnomAD). This alteration is expected to result in loss of function by premature protein truncation or nonsense-mediated mRNA decay. As such, this alteration is interpreted as a disease-causing mutation.

Baylor Genetics
Classification: Likely pathogenic for Breast-ovarian cancer, familial, susceptibility to, 1. Last evaluated: 2021-11-03. Review status: criteria provided, single submitter. Criteria: ACMG Guidelines, 2015. Collection method: clinical testing. Allele origin: unknown. Not counted in ClinVar's aggregate classification.

Color Diagnostics, LLC DBA Color Health
Classification: Pathogenic for Hereditary cancer-predisposing syndrome. Last evaluated: 2021-07-02. Review status: criteria provided, single submitter. Criteria: ACMG Guidelines, 2015. Collection method: clinical testing. Allele origin: germline. Not counted in ClinVar's aggregate classification.
Comment: This variant deletes 5 nucleotides in exon 10 of the BRCA1 gene, creating a frameshift and premature translation stop signal. This variant is expected to result in an absent or non-functional protein product. To our knowledge, this variant has not been reported in individuals affected with hereditary cancer in the literature. This variant has not been identified in the general population by the Genome Aggregation Database (gnomAD). Loss of BRCA1 function is a known mechanism of disease. Based on the available evidence, this variant is classified as Pathogenic.

Consortium of Investigators of Modifiers of BRCA1/2 (CIMBA), c/o University of Cambridge
Classification: Pathogenic for Breast-ovarian cancer, familial, susceptibility to, 1. Last evaluated: 2015-10-02. Review status: criteria provided, single submitter. Criteria: CIMBA Mutation Classification guidelines May 2016. Collection method: clinical testing. Allele origin: germline. Not counted in ClinVar's aggregate classification.

Research Molecular Genetics Laboratory, Women's College Hospital, University of Toronto
Classification: Pathogenic for Hereditary breast ovarian cancer syndrome. Last evaluated: 2014-01-31. Review status: no assertion criteria provided. Collection method: research. Allele origin: germline. Affected: yes. Study: The Canadian Open Genetics Repository (COGR). Not counted in ClinVar's aggregate classification.

Literature cited by the submitters: PubMed 20104584 (cited by Labcorp Genetics (formerly Invitae), Labcorp); PubMed 9150151 (cited by Labcorp Genetics (formerly Invitae), Labcorp); PubMed 11030417 (cited by Labcorp Genetics (formerly Invitae), Labcorp).

NM_007294.4(BRCA1):c.1505_1509del (p.Leu502fs)

Gene: BRCA1 (BRCA1 DNA repair associated; minus strand). Cytogenetic location: 17q21.31.
Variant type: Deletion.
Coding change: c.1505_1509del on transcript NM_007294.4 (MANE Select); coding-DNA positions 1505 to 1509, 5 bases deleted (TAAAG; older notation c.1505_1509delTAAAG).
Protein change: p.Leu502fs; shifts the reading frame from leucine 502.
Molecular consequence: frameshift variant. On other transcripts: intron variant (137).
Genome position (GRCh38, 1-based): chr17:43,094,022-43,094,026, CTTTA deleted on the plus strand (TAAAG on the coding strand, the reverse complement: BRCA1 is on the minus strand). VCF-style (leftmost placement, unchanged base first): chr17-43094021-GCTTTA-G. GRCh37 (hg19) VCF-style: chr17-41246038-GCTTTA-G.
Other names: 1624del5; c.1241_1245del, p.Leu414fs (NM_001407929.1, NM_001407925.1, NM_001407926.1 and 9 more transcripts); c.1238_1242del, p.Leu413fs (NM_001407930.1, NM_001407931.1, NM_001407932.1 and 2 more transcripts); c.1361_1365del, p.Leu454fs (NM_001407943.1, NM_001407964.1, NM_001407740.1 and 20 more transcripts); c.1364_1368del, p.Leu455fs (NM_001407944.1, NM_001407945.1, NM_007297.4 and 29 more transcripts); c.1172_1176del, p.Leu391fs (NM_001407946.1, NM_001407947.1, NM_001407948.1 and 6 more transcripts); c.1121_1125del, p.Leu374fs (NM_001407962.1); c.1124_1128del, p.Leu375fs (NM_001407963.1, NM_001407959.1, NM_001407960.1); and 41 more; short protein forms L455fs, L502fs, L391fs, L434fs, L454fs, L460fs, L461fs, L501fs.
Identifiers: ClinVar variation 231406 (VCV000231406.22), dbSNP rs876659139, ClinGen allele CA10580662.